The following is an entry in ClinVar:

ClinVar aggregate classification (germline): Uncertain significance. Review status: criteria provided, multiple submitters, no conflicts (2 of 4 stars). 4 submissions from 4 submitters: Uncertain significance (4). Last evaluated 2025-11-26.

Conditions:
Hereditary cancer-predisposing syndrome. Also called: Tumor predisposition; Hereditary Cancer Syndrome; Hereditary neoplastic syndrome; Neoplastic Syndromes, Hereditary. Identifiers: Orphanet 140162, MedGen C0027672, MeSH D009386, MONDO:0015356.
Hereditary pheochromocytoma and paraganglioma. Also called: Hereditary paragangliomas and pheochromocytomas; Hereditary Paraganglioma-Pheochromocytoma Syndromes; Hereditary pheochromocytoma-paraganglioma. Identifiers: Orphanet 29072, MedGen C4274332, MONDO:0017366.

gnomAD v4.1: 5 of 1,614,184 alleles (0.00031%); highest among the groups gnomAD compares: Non-Finnish European, 0.00034%; no homozygotes.

Submissions (4):

Labcorp Genetics (formerly Invitae), Labcorp
Classification: Uncertain significance for Hereditary pheochromocytoma and paraganglioma. Last evaluated: 2025-11-26. Review status: criteria provided, single submitter. Criteria: Invitae Variant Classification Sherloc (09022015). Collection method: clinical testing. Allele origin: germline.
Comment: This sequence change replaces alanine, which is neutral and non-polar, with valine, which is neutral and non-polar, at codon 2 of the SDHAF2 protein (p.Ala2Val). This variant is not present in population databases (gnomAD no frequency). This variant has not been reported in the literature in individuals affected with SDHAF2-related conditions. ClinVar contains an entry for this variant (Variation ID: 2063977). An algorithm developed to predict the effect of missense changes on protein structure and function (PolyPhen-2) suggests that this variant is likely to be tolerated. In summary, the available evidence is currently insufficient to determine the role of this variant in disease. Therefore, it has been classified as a Variant of Uncertain Significance.

Ambry Genetics
Classification: Uncertain significance for Hereditary cancer-predisposing syndrome. Last evaluated: 2025-07-16. Review status: criteria provided, single submitter. Criteria: Ambry Variant Classification Scheme 2023. Collection method: clinical testing. Allele origin: germline.
Comment: The p.A2V variant (also known as c.5C>T), located in coding exon 1 of the SDHAF2 gene, results from a C to T substitution at nucleotide position 5. The alanine at codon 2 is replaced by valine, an amino acid with similar properties. This amino acid position is conserved. In addition, the in silico prediction for this alteration is inconclusive. Since supporting evidence is limited at this time, the clinical significance of this alteration remains unclear.

GeneDx
Classification: Uncertain significance. Last evaluated: 2024-01-08. Review status: criteria provided, single submitter. Criteria: GeneDx Variant Classification Process June 2021. Collection method: clinical testing. Allele origin: germline. Affected: yes.
Comment: Not observed at significant frequency in large population cohorts (gnomAD); In silico analysis supports that this missense variant does not alter protein structure/function; Has not been previously published as pathogenic or benign to our knowledge

All of Us Research Program, National Institutes of Health
Classification: Uncertain significance for Hereditary pheochromocytoma and paraganglioma. Last evaluated: 2023-11-30. Review status: criteria provided, single submitter. Criteria: ACMG Guidelines, 2015. Collection method: clinical testing. Allele origin: germline. Inheritance: Autosomal dominant inheritance. Observed: 1 variant allele, 1 heterozygote.
Comment: This study involves interpretation of variants in research participants for the purpose of population health screening. Participant phenotype was not available at the time of variant classification. Additional details can be found in publication PMID: 35346344, PMCID: PMC8962531

NM_017841.4(SDHAF2):c.5C>T (p.Ala2Val)

Gene: SDHAF2 (succinate dehydrogenase complex assembly factor 2; plus strand). Cytogenetic location: 11q12.2.
Variant type: single nucleotide variant.
Coding change: c.5C>T on transcript NM_017841.4 (MANE Select); coding-DNA position 5, C replaced by T.
Protein change: p.Ala2Val; replaces alanine 2 with valine.
Molecular consequence: missense variant.
Genome position (GRCh38, 1-based): chr11:61,430,151, C>T. VCF-style: chr11-61430151-C-T. GRCh37 (hg19) VCF-style: chr11-61197623-C-T.
Other names: short protein forms A2V.
Identifiers: ClinVar variation 2063977 (VCV002063977.9), dbSNP rs867394650, ClinGen allele CA222873795.